The following is an entry in ClinVar:

NM_000051.4(ATM):c.2639-14C>T

Gene: ATM (ATM serine/threonine kinase; plus strand). Cytogenetic location: 11q22.3.
Variant type: single nucleotide variant.
Coding change: c.2639-14C>T on transcript NM_000051.4 (MANE Select); 14 bases into the intron before coding-DNA position 2639, C replaced by T.
Molecular consequence: intron variant.
Genome position (GRCh38, 1-based): chr11:108,268,396, C>T. VCF-style: chr11-108268396-C-T. GRCh37 (hg19) VCF-style: chr11-108139123-C-T.
Other names: c.2639-14C>T (NM_001351834.2).
Identifiers: ClinVar variation 3254458 (VCV003254458.1), dbSNP rs1591593490.

ClinVar aggregate classification (germline): Likely benign (1 of 4 stars; one submission).

Conditions:
Familial cancer of breast. Also called: BREAST CANCER, FAMILIAL; Hereditary breast cancer; hereditary breast carcinoma. Identifiers: Orphanet 227535, MedGen C0346153, MONDO:0016419, OMIM 114480. Disease mechanism: loss of function.

Submission:

Myriad Genetics, Inc.
Classification: Likely benign for Familial cancer of breast. Last evaluated: 2024-05-10. Review status: criteria provided, single submitter. Criteria: Myriad Autosomal Dominant, Autosomal Recessive and X-Linked Classification Criteria (2023). Collection method: clinical testing. Allele origin: unknown.
Comment: This variant is considered likely benign. This variant is intronic and is not expected to impact mRNA splicing.